The following is an entry in ClinVar:

NM_001166114.2(PNPLA6):c.2223T>C (p.Ile741=)

Gene: PNPLA6 (patatin like domain 6, lysophospholipase; plus strand). Cytogenetic location: 19p13.2.
Variant type: single nucleotide variant.
Coding change: c.2223T>C on transcript NM_001166114.2 (MANE Select); coding-DNA position 2223, T replaced by C.
Protein change: p.Ile741=; no amino-acid change (isoleucine 741 retained).
Molecular consequence: synonymous variant.
Genome position (GRCh38, 1-based): chr19:7,551,400, T>C. VCF-style: chr19-7551400-T-C. GRCh37 (hg19) VCF-style: chr19-7616286-T-C.
Other names: c.2250T>C, p.Ile750= (NM_001166111.2); c.2028T>C, p.Ile676= (NM_001166112.2); c.2106T>C, p.Ile702= (NM_001166113.1, NM_006702.5).
Identifiers: ClinVar variation 4874889 (VCV004874889.2).
Genomic context (GRCh38, chr19:7,551,400, plus strand): 5'-TGCCGGCCTCCAACGCCCCCAGGTCGTGACCCGCCTTATCCACCTACTGAGCCAGAAAAT[T>C]CTAGGGAATTTGCAGCAGCTGCAAGGACCCTTCCCAGGTGAGAGCCGGCCGGCCCAGAGC-3'
Protein context (NP_001159586.1, residues 731-751): TRLIHLLSQK[Ile741=]LGNLQQLQGP

ClinVar aggregate classification (germline): Likely benign (1 of 4 stars; one submission).

Submission:

CeGaT Center for Human Genetics Tuebingen
Classification: Likely benign. Last evaluated: 2026-05-01. Review status: criteria provided, single submitter. Criteria: CeGaT Center For Human Genetics Tuebingen Variant Classification Criteria Version 2. Collection method: clinical testing. Allele origin: germline. Affected: yes. Observed: 1 variant allele.
Comment: PNPLA6: PM2:Supporting, BP4, BP7